The following is an entry in ClinVar:

NM_078470.6(COX15):c.928C>G (p.Pro310Ala)

Gene: COX15 (cytochrome c oxidase assembly factor COX15; minus strand). Cytogenetic location: 10q24.2.
Variant type: single nucleotide variant.
Coding change: c.928C>G on transcript NM_078470.6 (MANE Select); coding-DNA position 928, C replaced by G.
Protein change: p.Pro310Ala; replaces proline 310 with alanine.
Molecular consequence: missense variant. On other transcripts: intron variant (2).
Genome position (GRCh38, 1-based): chr10:99,718,405, G>C on the plus strand (C>G on the coding strand, the complement: COX15 is on the minus strand). VCF-style: chr10-99718405-G-C. GRCh37 (hg19) VCF-style: chr10-101478162-G-C.
Other names: c.391C>G, p.Pro131Ala (NM_001320976.2); c.928C>G, p.Pro310Ala (NM_001372024.1, NM_001372025.1, NM_001372027.1 and 2 more transcripts); c.901C>G, p.Pro301Ala (NM_001372026.1); c.833-1944C>G (NM_001372028.1, NM_001320975.2); short protein forms P301A, P310A, P131A.
Identifiers: ClinVar variation 2062558 (VCV002062558.5), dbSNP rs1449076408, ClinGen allele CA378102099.

ClinVar aggregate classification (germline): Uncertain significance. Review status: criteria provided, multiple submitters, no conflicts (2 of 4 stars). 2 submissions from 2 submitters: Uncertain significance (2). Last evaluated 2025-08-01.

Conditions:
Inborn genetic diseases. Identifiers: MedGen C0950123, MeSH D030342.

Submissions (2):

Ambry Genetics
Classification: Uncertain significance for Inborn genetic diseases. Last evaluated: 2025-08-01. Review status: criteria provided, single submitter. Criteria: Ambry Variant Classification Scheme 2023. Collection method: clinical testing. Allele origin: germline.

Labcorp Genetics (formerly Invitae), Labcorp
Classification: Uncertain significance. Last evaluated: 2022-05-29. Review status: criteria provided, single submitter. Criteria: Invitae Variant Classification Sherloc (09022015). Collection method: clinical testing. Allele origin: germline.
Comment: This variant is not present in population databases (gnomAD no frequency). This sequence change replaces proline, which is neutral and non-polar, with alanine, which is neutral and non-polar, at codon 310 of the COX15 protein (p.Pro310Ala). This variant has not been reported in the literature in individuals affected with COX15-related conditions. Algorithms developed to predict the effect of missense changes on protein structure and function are either unavailable or do not agree on the potential impact of this missense change (SIFT: "Not Available"; PolyPhen-2: "Probably Damaging"; Align-GVGD: "Not Available"). In summary, the available evidence is currently insufficient to determine the role of this variant in disease. Therefore, it has been classified as a Variant of Uncertain Significance.